The following is an entry in ClinVar:

NM_000277.3(PAH):c.925G>A (p.Ala309Thr)

Gene: PAH (phenylalanine hydroxylase; minus strand). Cytogenetic location: 12q23.2.
Variant type: single nucleotide variant.
Coding change: c.925G>A on transcript NM_000277.3 (MANE Select); coding-DNA position 925, G replaced by A.
Protein change: p.Ala309Thr; replaces alanine 309 with threonine.
Molecular consequence: missense variant.
Genome position (GRCh38, 1-based): chr12:102,846,939, C>T on the plus strand (G>A on the coding strand, the complement: PAH is on the minus strand). VCF-style: chr12-102846939-C-T. GRCh37 (hg19) VCF-style: chr12-103240717-C-T.
Other names: NM_000277.3:c.925G>A; c.925G>A, p.Ala309Thr (NM_001354304.2); short protein forms A309T.
Identifiers: ClinVar variation 1327567 (VCV001327567.1), dbSNP rs1205657950, ClinGen allele CA16021003.

ClinVar aggregate classification (germline): Likely pathogenic (3 of 4 stars; one submission).

Conditions:
Phenylketonuria (PKU). Also called: Phenylketonuria (PKU); FOLLING DISEASE; OLIGOPHRENIA PHENYLPYRUVICA; Phenylketonurias. Identifiers: Orphanet 716, MedGen C0031485, MONDO:0009861, OMIM 261600. Disease mechanism: loss of function.

Submission:

ClinGen PAH Variant Curation Expert Panel
Classification: Likely pathogenic for Phenylketonuria. Last evaluated: 2019-12-15. Review status: reviewed by expert panel. Criteria: ClinGen PAH ACMG Specifications v1. Collection method: curation. Allele origin: germline. Inheritance: Autosomal recessive inheritance.
Comment: This variant is absent in population databases (PM2). This variant was detected with pathogenic variant c.1241A>G, p.Y414C (PM3_supporting). Computational evidence supports a deleterious effect. A different pathogenic missense change has been seen at the same amino acid residue (A309M). In summary, this variant meets criteria to be classified as likely pathogenic for PAH. PAH-specific ACMG/AMP criteria applied: PP4_Moderate, PM2, PM5, PM3_supporting, PP3.